The following is an entry in ClinVar:

ClinVar aggregate classification (germline): Uncertain significance (1 of 4 stars; one submission).

Submission:

GeneDx
Classification: Uncertain significance. Last evaluated: 2024-06-04. Review status: criteria provided, single submitter. Criteria: GeneDx Variant Classification Process June 2021. Collection method: clinical testing. Allele origin: germline. Affected: yes.
Comment: Not observed at significant frequency in large population cohorts (gnomAD); In silico analysis supports that this missense variant has a deleterious effect on protein structure/function; Has not been previously published as pathogenic or benign to our knowledge

NM_006516.4(SLC2A1):c.399C>G (p.Cys133Trp)

Gene: SLC2A1 (solute carrier family 2 member 1; minus strand). Cytogenetic location: 1p34.2.
Variant type: single nucleotide variant.
Coding change: c.399C>G on transcript NM_006516.4 (MANE Select); coding-DNA position 399, C replaced by G.
Protein change: p.Cys133Trp; replaces cysteine 133 with tryptophan.
Molecular consequence: missense variant.
Genome position (GRCh38, 1-based): chr1:42,930,743, G>C on the plus strand (C>G on the coding strand, the complement: SLC2A1 is on the minus strand). VCF-style: chr1-42930743-G-C. GRCh37 (hg19) VCF-style: chr1-43396414-G-C.
Other names: short protein forms C133W.
Identifiers: ClinVar variation 3384340 (VCV003384340.1).
Genomic context (GRCh38, chr1:42,930,743, plus strand): 5'-ACGAAGGGCTGTGGGTGACACTTCACCCACATACATGGGCACGAAGCCTGTGGTCAGGCC[G>C]CAGTACACACCGATGATGAAGCGGCCCAGGATCAGCATCTCAAAGGACTTGCCCAGTTTC-3'
Protein context (NP_006507.2, residues 123-143): ILGRFIIGVY[Cys133Trp]GLTTGFVPMY